The following is an entry in ClinVar:

NM_006922.4(SCN3A):c.2413G>T (p.Ala805Ser)

Gene: SCN3A (sodium voltage-gated channel alpha subunit 3; minus strand). Cytogenetic location: 2q24.3.
Variant type: single nucleotide variant.
Coding change: c.2413G>T on transcript NM_006922.4 (MANE Select); coding-DNA position 2413, G replaced by T.
Protein change: p.Ala805Ser; replaces alanine 805 with serine.
Molecular consequence: missense variant.
Genome position (GRCh38, 1-based): chr2:165,131,396, C>A on the plus strand (G>T on the coding strand, the complement: SCN3A is on the minus strand). VCF-style: chr2-165131396-C-A. GRCh37 (hg19) VCF-style: chr2-165987906-C-A.
Other names: c.2266G>T, p.Ala756Ser (NM_001081676.2, NM_001081677.2); short protein forms A756S, A805S.
Identifiers: ClinVar variation 2700233 (VCV002700233.3), dbSNP rs2468260806, ClinGen allele CA349043472.

ClinVar aggregate classification (germline): Uncertain significance (1 of 4 stars; one submission).

Allele frequency attached by ClinVar (database versions not stated): gnomAD exomes below 0.00001.
gnomAD v4.1: 2 of 1,604,328 alleles (0.00012%); highest among the groups gnomAD compares: Non-Finnish European, 0.00017%; no homozygotes.

Submission:

Labcorp Genetics (formerly Invitae), Labcorp
Classification: Uncertain significance. Last evaluated: 2023-12-01. Review status: criteria provided, single submitter. Criteria: Invitae Variant Classification Sherloc (09022015). Collection method: clinical testing. Allele origin: germline.
Comment: This sequence change replaces alanine, which is neutral and non-polar, with serine, which is neutral and polar, at codon 805 of the SCN3A protein (p.Ala805Ser). This variant is not present in population databases (gnomAD no frequency). This variant has not been reported in the literature in individuals affected with SCN3A-related conditions. Advanced modeling of protein sequence and biophysical properties (such as structural, functional, and spatial information, amino acid conservation, physicochemical variation, residue mobility, and thermodynamic stability) performed at Invitae indicates that this missense variant is expected to disrupt SCN3A protein function with a positive predictive value of 80%. In summary, the available evidence is currently insufficient to determine the role of this variant in disease. Therefore, it has been classified as a Variant of Uncertain Significance.